The following is an entry in ClinVar:

NM_014753.4(BMS1):c.1645G>A (p.Ala549Thr)

Gene: BMS1 (BMS1 ribosome biogenesis factor; plus strand). Cytogenetic location: 10q11.21.
Variant type: single nucleotide variant.
Coding change: c.1645G>A on transcript NM_014753.4 (MANE Select); coding-DNA position 1645, G replaced by A.
Protein change: p.Ala549Thr; replaces alanine 549 with threonine.
Molecular consequence: missense variant.
Genome position (GRCh38, 1-based): chr10:42,796,889, G>A. VCF-style: chr10-42796889-G-A. GRCh37 (hg19) VCF-style: chr10-43292337-G-A.
Other names: short protein forms A549T.
Identifiers: ClinVar variation 3036677 (VCV003036677.2), dbSNP rs139656912, ClinGen allele CA5475804.

ClinVar aggregate classification (germline): Benign (0 of 4 stars; one submission).

Conditions:
BMS1-related disorder. Also called: BMS1-related condition.

Allele frequency attached by ClinVar (database versions not stated): gnomAD exomes 0.00011; TOPMed 0.00021; gnomAD 0.00025; ExAC 0.00044; 1000 Genomes Project 30x 0.00125; 1000 Genomes Project 0.00140.
gnomAD v4.1: 228 of 1,614,218 alleles (0.014%); highest among the groups gnomAD compares: East Asian, 0.41%; no homozygotes.

Submission:

PreventionGenetics, part of Exact Sciences
Classification: Benign for BMS1-related condition. Last evaluated: 2020-08-21. Review status: no assertion criteria provided. Collection method: clinical testing. Allele origin: germline.
Comment: This variant is classified as benign based on ACMG/AMP sequence variant interpretation guidelines (Richards et al. 2015 PMID: 25741868, with internal and published modifications).